The following is an entry in ClinVar:

NM_206933.4(USH2A):c.13392G>A (p.Trp4464Ter)

Gene: USH2A (usherin; minus strand). Cytogenetic location: 1q41.
Variant type: single nucleotide variant.
Coding change: c.13392G>A on transcript NM_206933.4 (MANE Select); coding-DNA position 13392, G replaced by A.
Protein change: p.Trp4464Ter; replaces tryptophan 4464 with a stop codon.
Molecular consequence: nonsense.
Genome position (GRCh38, 1-based): chr1:215,674,519, C>T on the plus strand (G>A on the coding strand, the complement: USH2A is on the minus strand). VCF-style: chr1-215674519-C-T. GRCh37 (hg19) VCF-style: chr1-215847861-C-T.
Other names: short protein forms W4464*.
Identifiers: ClinVar variation 1460400 (VCV001460400.7), dbSNP rs1219505844, ClinGen allele CA344845418.

ClinVar aggregate classification (germline): Pathogenic/Likely pathogenic. Review status: criteria provided, multiple submitters, no conflicts (2 of 4 stars). 2 submissions from 2 submitters: Pathogenic (1); Likely pathogenic (1). Last evaluated 2025-08-14.

Conditions:
Retinal dystrophy. Also called: Inherited retinal dystrophy. Identifiers: Orphanet 71862, MedGen C0854723, MeSH D058499, MONDO:0019118, HP:0000556.

Allele frequency attached by ClinVar (database versions not stated): gnomAD exomes below 0.00001; TOPMed below 0.00001; gnomAD 0.00001.
gnomAD v4.1: 2 of 1,613,982 alleles (0.00012%); highest among the groups gnomAD compares: Non-Finnish European, 0.00017%; no homozygotes.

Submissions (2):

Labcorp Genetics (formerly Invitae), Labcorp
Classification: Pathogenic. Last evaluated: 2025-08-14. Review status: criteria provided, single submitter. Criteria: Invitae Variant Classification Sherloc (09022015). Collection method: clinical testing. Allele origin: germline.
Comment: This sequence change creates a premature translational stop signal (p.Trp4464*) in the USH2A gene. It is expected to result in an absent or disrupted protein product. Loss-of-function variants in USH2A are known to be pathogenic (PMID: 10729113, 10909849, 20507924, 25649381). This variant is not present in population databases (gnomAD no frequency). This premature translational stop signal has been observed in individual(s) with inherited retinal disease (PMID: 36460718). ClinVar contains an entry for this variant (Variation ID: 1460400). For these reasons, this variant has been classified as Pathogenic.

Dept Of Ophthalmology, Nagoya University
Classification: Likely pathogenic for Retinal dystrophy. Last evaluated: 2023-10-01. Review status: criteria provided, single submitter. Criteria: Submitter's publication. Collection method: research. Allele origin: germline. Affected: yes.

Literature cited by the submitters: PubMed 10729113 (cited by Labcorp Genetics (formerly Invitae), Labcorp); PubMed 10909849 (cited by Labcorp Genetics (formerly Invitae), Labcorp); PubMed 20507924 (cited by Labcorp Genetics (formerly Invitae), Labcorp); PubMed 25649381 (cited by Labcorp Genetics (formerly Invitae), Labcorp); PubMed 36460718 (cited by Labcorp Genetics (formerly Invitae), Labcorp).